The following is an entry in ClinVar:

NM_133259.4(LRPPRC):c.613G>A (p.Ala205Thr)

Gene: LRPPRC (leucine rich pentatricopeptide repeat containing; minus strand). Cytogenetic location: 2p21.
Variant type: single nucleotide variant.
Coding change: c.613G>A on transcript NM_133259.4 (MANE Select); coding-DNA position 613, G replaced by A.
Protein change: p.Ala205Thr; replaces alanine 205 with threonine.
Molecular consequence: missense variant.
Genome position (GRCh38, 1-based): chr2:43,977,031, C>T on the plus strand (G>A on the coding strand, the complement: LRPPRC is on the minus strand). VCF-style: chr2-43977031-C-T. GRCh37 (hg19) VCF-style: chr2-44204170-C-T.
Other names: c.613G>A (NM_133259.3); short protein forms A205T.
Identifiers: ClinVar variation 2155503 (VCV002155503.3), dbSNP rs145606585, ClinGen allele CA1639288.

ClinVar aggregate classification (germline): Conflicting classifications of pathogenicity. Review status: criteria provided, conflicting classifications (1 of 4 stars). 3 submissions from 3 submitters: Uncertain significance (2); Likely benign (1). Last evaluated 2023-04-28.

Conditions:
Inborn genetic diseases. Identifiers: MedGen C0950123, MeSH D030342.

Allele frequency attached by ClinVar (database versions not stated): gnomAD exomes 0.00001; ExAC 0.00004; TOPMed 0.00010; ESP Exome Variant Server 0.00023.

Submissions (3):

GeneDx
Classification: Uncertain significance. Last evaluated: 2023-04-28. Review status: criteria provided, single submitter. Criteria: GeneDx Variant Classification Process June 2021. Collection method: clinical testing. Allele origin: germline. Affected: yes.
Comment: In silico analysis supports that this missense variant has a deleterious effect on protein structure/function; Has not been previously published as pathogenic or benign to our knowledge

Labcorp Genetics (formerly Invitae), Labcorp
Classification: Uncertain significance. Last evaluated: 2022-08-19. Review status: criteria provided, single submitter. Criteria: Invitae Variant Classification Sherloc (09022015). Collection method: clinical testing. Allele origin: germline.
Comment: This sequence change replaces alanine, which is neutral and non-polar, with threonine, which is neutral and polar, at codon 205 of the LRPPRC protein (p.Ala205Thr). This variant is present in population databases (rs145606585, gnomAD 0.03%). This variant has not been reported in the literature in individuals affected with LRPPRC-related conditions. Algorithms developed to predict the effect of missense changes on protein structure and function are either unavailable or do not agree on the potential impact of this missense change (SIFT: "Deleterious"; PolyPhen-2: "Probably Damaging"; Align-GVGD: "Class C0"). In summary, the available evidence is currently insufficient to determine the role of this variant in disease. Therefore, it has been classified as a Variant of Uncertain Significance.

Ambry Genetics
Classification: Likely benign for Inborn genetic diseases. Last evaluated: 2022-07-07. Review status: criteria provided, single submitter. Criteria: Ambry Variant Classification Scheme 2023. Collection method: clinical testing. Allele origin: germline.